The following is an entry in ClinVar:

ClinVar aggregate classification (germline): Likely pathogenic (0 of 4 stars; one submission).

Conditions:
PLCD1-related disorder. Also called: PLCD1-related condition.

Submission:

PreventionGenetics, part of Exact Sciences
Classification: Likely pathogenic for PLCD1-related condition. Last evaluated: 2024-03-20. Review status: no assertion criteria provided. Collection method: clinical testing. Allele origin: germline.
Comment: The PLCD1 c.1218dupC variant is predicted to result in a frameshift and premature protein termination (p.Ile407Hisfs*44). To our knowledge, this variant has not been reported in the literature. This variant is reported in 0.010% of alleles in individuals of European (Non-Finnish) descent in gnomAD. Frameshift variants in PLCD1 are expected to be pathogenic. This variant is interpreted as likely pathogenic.

NM_006225.4(PLCD1):c.1155dup (p.Ile386fs)

Gene: PLCD1 (phospholipase C delta 1; minus strand). Cytogenetic location: 3p22.2.
Variant type: Duplication.
Coding change: c.1155dup on transcript NM_006225.4 (MANE Select); coding-DNA position 1155, one base duplicated (C; older notation c.1155dupC).
Protein change: p.Ile386fs; shifts the reading frame from isoleucine 386.
Molecular consequence: frameshift variant. On other transcripts: non-coding transcript variant (1).
Genome position (GRCh38, 1-based): chr3:38,010,036, G duplicated on the plus strand (C on the coding strand, the reverse complement: PLCD1 is on the minus strand). VCF-style (leftmost placement, unchanged base first): chr3-38010035-T-TG. GRCh37 (hg19) VCF-style: chr3-38051526-T-TG.
Other names: c.1218dup, p.Ile407fs (NM_001130964.2); short protein forms I386fs, I407fs.
Identifiers: ClinVar variation 3351246 (VCV003351246.1).